The following is an entry in ClinVar:

NM_001371904.1(APOA5):c.641C>T (p.Ala214Val)

Gene: APOA5 (apolipoprotein A5; minus strand). Cytogenetic location: 11q23.3.
Variant type: single nucleotide variant.
Coding change: c.641C>T on transcript NM_001371904.1 (MANE Select); coding-DNA position 641, C replaced by T.
Protein change: p.Ala214Val; replaces alanine 214 with valine.
Molecular consequence: missense variant.
Genome position (GRCh38, 1-based): chr11:116,790,588, G>A on the plus strand (C>T on the coding strand, the complement: APOA5 is on the minus strand). VCF-style: chr11-116790588-G-A. GRCh37 (hg19) VCF-style: chr11-116661304-G-A.
Other names: c.641C>T, p.Ala214Val (NM_001166598.2, NM_052968.5); short protein forms A214V.
Identifiers: ClinVar variation 2567121 (VCV002567121.2), dbSNP rs2540244346, ClinGen allele CA382737657.

ClinVar aggregate classification (germline): Uncertain significance (1 of 4 stars; one submission).

Conditions:
Cardiovascular phenotype. Identifiers: MedGen CN230736.

Submission:

Ambry Genetics
Classification: Uncertain significance for Cardiovascular phenotype. Last evaluated: 2023-05-27. Review status: criteria provided, single submitter. Criteria: Ambry Variant Classification Scheme 2023. Collection method: clinical testing. Allele origin: germline.
Comment: The p.A214V variant (also known as c.641C>T), located in coding exon 3 of the APOA5 gene, results from a C to T substitution at nucleotide position 641. The alanine at codon 214 is replaced by valine, an amino acid with similar properties. This amino acid position is conserved. In addition, this alteration is predicted to be tolerated by in silico analysis. Since supporting evidence is limited at this time, the clinical significance of this alteration remains unclear.